The following is an entry in ClinVar:

NM_005141.5(FGB):c.583C>G (p.Leu195Val)

Gene: FGB (fibrinogen beta chain; plus strand). Cytogenetic location: 4q31.3.
Variant type: single nucleotide variant.
Coding change: c.583C>G on transcript NM_005141.5 (MANE Select); coding-DNA position 583, C replaced by G.
Protein change: p.Leu195Val; replaces leucine 195 with valine.
Molecular consequence: missense variant.
Genome position (GRCh38, 1-based): chr4:154,567,685, C>G. VCF-style: chr4-154567685-C-G. GRCh37 (hg19) VCF-style: chr4-155488837-C-G.
Other names: c.406C>G, p.Leu136Val (NM_001184741.1); c.451C>G, p.Leu151Val (NM_001382759.1); c.583C>G, p.Leu195Val (NM_001382760.1, NM_001382761.1, NM_001382762.1 and 3 more transcripts); short protein forms L151V, L136V, L195V.
Identifiers: ClinVar variation 4753346 (VCV004753346.1).
Genomic context (GRCh38, chr4:154,567,685, plus strand): 5'-GAACTGGAAAAGCACCAATTATATATAGATGAGACTGTGAATAGCAATATCCCAACTAAC[C>G]TTCGTGTGCTTCGTTCAATCCTGGAAAACCTGAGAAGCAAAATACAAAAGTTAGAATCTG-3'
Protein context (NP_005132.2, residues 185-205): ETVNSNIPTN[Leu195Val]RVLRSILENL

ClinVar aggregate classification (germline): Uncertain significance (1 of 4 stars; one submission).

Submission:

Labcorp Genetics (formerly Invitae), Labcorp
Classification: Uncertain significance. Last evaluated: 2025-01-30. Review status: criteria provided, single submitter. Criteria: Invitae Variant Classification Sherloc (09022015). Collection method: clinical testing. Allele origin: germline.
Comment: This sequence change replaces leucine, which is neutral and non-polar, with valine, which is neutral and non-polar, at codon 195 of the FGB protein (p.Leu195Val). This variant is not present in population databases (gnomAD no frequency). This variant has not been reported in the literature in individuals affected with FGB-related conditions. Invitae Evidence Modeling of protein sequence and biophysical properties (such as structural, functional, and spatial information, amino acid conservation, physicochemical variation, residue mobility, and thermodynamic stability) indicates that this missense variant is not expected to disrupt FGB protein function with a negative predictive value of 80%. In summary, the available evidence is currently insufficient to determine the role of this variant in disease. Therefore, it has been classified as a Variant of Uncertain Significance.